The following is an entry in ClinVar:

ClinVar aggregate classification (germline): Uncertain significance (1 of 4 stars; one submission).

Conditions:
Beckwith-Wiedemann syndrome (BWS). Also called: EMG SYNDROME; Exomphalos macroglossia gigantism syndrome. Identifiers: Orphanet 116, MedGen C0004903, MONDO:0007534, OMIM 130650.

Allele frequency attached by ClinVar (database versions not stated): gnomAD 0.00001.

Submission:

Labcorp Genetics (formerly Invitae), Labcorp
Classification: Uncertain significance for Beckwith-Wiedemann syndrome. Last evaluated: 2024-04-24. Review status: criteria provided, single submitter. Criteria: Invitae Variant Classification Sherloc (09022015). Collection method: clinical testing. Allele origin: germline.
Comment: This sequence change replaces alanine, which is neutral and non-polar, with aspartic acid, which is acidic and polar, at codon 179 of the CDKN1C protein (p.Ala179Asp). The frequency data for this variant in the population databases is considered unreliable, as metrics indicate insufficient coverage at this position in the gnomAD database. This variant has not been reported in the literature in individuals affected with CDKN1C-related conditions. ClinVar contains an entry for this variant (Variation ID: 2065849). Advanced modeling of protein sequence and biophysical properties (such as structural, functional, and spatial information, amino acid conservation, physicochemical variation, residue mobility, and thermodynamic stability) performed at Invitae indicates that this missense variant is not expected to disrupt CDKN1C protein function with a negative predictive value of 80%. In summary, the available evidence is currently insufficient to determine the role of this variant in disease. Therefore, it has been classified as a Variant of Uncertain Significance.

NM_001122630.2(CDKN1C):c.503C>A (p.Ala168Asp)

Gene: CDKN1C (cyclin dependent kinase inhibitor 1C; minus strand). Cytogenetic location: 11p15.4.
Variant type: single nucleotide variant.
Coding change: c.503C>A on transcript NM_001122630.2 (MANE Select); coding-DNA position 503, C replaced by A.
Protein change: p.Ala168Asp; replaces alanine 168 with aspartic acid.
Molecular consequence: missense variant. On other transcripts: intron variant (1).
Genome position (GRCh38, 1-based): chr11:2,884,954, G>T on the plus strand (C>A on the coding strand, the complement: CDKN1C is on the minus strand). VCF-style: chr11-2884954-G-T. GRCh37 (hg19) VCF-style: chr11-2906184-G-T.
Other names: c.536C>A, p.Ala179Asp (NM_000076.2, NM_001362474.2); c.503C>A, p.Ala168Asp (NM_001122631.2); c.255+248C>A (NM_001362475.2); short protein forms A168D, A179D.
Identifiers: ClinVar variation 2065849 (VCV002065849.4), dbSNP rs1848945535, ClinGen allele CA379146510.
Genomic context (GRCh38, chr11:2,884,954, plus strand): 5'-GCCGGGGCCGCGACTGGAGCCGGGGCCGGAGCCGGAGCCGGAGCCGGGGCCGGGGCCGGG[G>T]CCAGGACCGCGACCGCGACCGGAGCCGCGACCGGAGCCGCGACCGGAGCCGGAGCCGGGG-3'
Protein context (NP_001116102.1, residues 158-178): VAAPVAVAVL[Ala168Asp]PAPAPAPAPA